The following is an entry in ClinVar:

NM_022489.4(INF2):c.550G>A (p.Glu184Lys)

Gene: INF2 (inverted formin 2; plus strand). Cytogenetic location: 14q32.33.
Variant type: single nucleotide variant.
Coding change: c.550G>A on transcript NM_022489.4 (MANE Select); coding-DNA position 550, G replaced by A.
Protein change: p.Glu184Lys; replaces glutamic acid 184 with lysine.
Molecular consequence: missense variant.
Genome position (GRCh38, 1-based): chr14:104,703,337, G>A. VCF-style: chr14-104703337-G-A. GRCh37 (hg19) VCF-style: chr14-105169674-G-A.
Other names: c.550G>A, p.Glu184Lys (NM_001031714.4, NM_032714.3); short protein forms E184K.
Identifiers: ClinVar variation 599128 (VCV000599128.17), dbSNP rs1566778676, ClinGen allele CA391213247.

ClinVar aggregate classification (germline): Pathogenic. Review status: criteria provided, multiple submitters, no conflicts (2 of 4 stars). 7 submissions from 7 submitters: Pathogenic (5). 2 of the submissions do not count toward it. Last evaluated 2025-11-24.

Conditions:
INF2-related disorder. Also called: INF2-related condition.
Charcot-Marie-Tooth disease. Also called: Charcot-Marie-Tooth Hereditary Neuropathy; Charcot-Marie-Tooth Neuropathy. Identifiers: Orphanet 166, MedGen C0007959, MONDO:0015626.
Focal segmental glomerulosclerosis 5 (FSGS5). Identifiers: Orphanet 656, MedGen C2750475, MONDO:0013191, OMIM 613237.
Charcot-Marie-Tooth disease dominant intermediate E. Also called: CHARCOT-MARIE-TOOTH NEUROPATHY WITH FOCAL SEGMENTAL GLOMERULONEPHRITIS. Identifiers: Orphanet 93114, MedGen C4302667, MONDO:0013758, OMIM 614455.

Allele frequency attached by ClinVar (database versions not stated): gnomAD exomes below 0.00001.
gnomAD v4.1: 1 of 1,613,092 alleles (0.000062%); highest among the groups gnomAD compares: Non-Finnish European, 0.000085%; no homozygotes.

Submissions (7):

3billion
Classification: Pathogenic for Focal segmental glomerulosclerosis 5. Last evaluated: 2025-11-24. Review status: criteria provided, single submitter. Criteria: ACMG Guidelines, 2015. Collection method: clinical testing. Allele origin: germline. Affected: yes.
Comment: The variant is observed at an extremely low frequency in the gnomAD v4.1.0 dataset (total allele frequency: <0.001%). Predicted Consequence/Location: Missense variant. Missense changes are a common disease-causing mechanism. In silico tool predictions suggest damaging effect of the variant on gene or gene product [REVEL: 0.79 (>=0.6, sensitivity 0.68 and specificity 0.92)]. The same nucleotide change resulting in the same amino acid change has been previously reported as pathogenic/likely pathogenic with strong evidence (ClinVar ID: VCV000599128 /PMID: 20023659 /3billion dataset). The variant has been previously reported as assumed (i.e. paternity and maternity not confirmed) de novo in at least one similarly affected unrelated individual (3billion dataset). A different missense change at the same codon (p.Glu184Gln) has been reported to be associated with INF2-related disorder (PMID: 21866090). Therefore, this variant is classified as Pathogenic according to the recommendation of ACMG/AMP guideline.

Fulgent Genetics
Classification: Pathogenic for Focal segmental glomerulosclerosis 5; Charcot-Marie-Tooth disease dominant intermediate E. Last evaluated: 2024-01-14. Review status: criteria provided, single submitter. Criteria: ACMG Guidelines, 2015. Collection method: clinical testing. Allele origin: germline.

Labcorp Genetics (formerly Invitae), Labcorp
Classification: Pathogenic for Charcot-Marie-Tooth disease dominant intermediate E; Focal segmental glomerulosclerosis 5. Last evaluated: 2022-05-15. Review status: criteria provided, single submitter. Criteria: Invitae Variant Classification Sherloc (09022015). Collection method: clinical testing. Allele origin: germline.
Comment: For these reasons, this variant has been classified as Pathogenic. Experimental studies have shown that this missense change affects INF2 function (PMID: 20023659, 26086034, 26764407). Advanced modeling of protein sequence and biophysical properties (such as structural, functional, and spatial information, amino acid conservation, physicochemical variation, residue mobility, and thermodynamic stability) performed at Invitae indicates that this missense variant is expected to disrupt INF2 protein function. ClinVar contains an entry for this variant (Variation ID: 599128). This missense change has been observed in individual(s) with focal segmental glomerulosclerosis and Charcot-Marie-Tooth disease (PMID: 20023659, 25165188, 25676889, 26467726). In at least one individual the variant was observed to be de novo. It has also been observed to segregate with disease in related individuals. This variant is not present in population databases (gnomAD no frequency). This sequence change replaces glutamic acid, which is acidic and polar, with lysine, which is basic and polar, at codon 184 of the INF2 protein (p.Glu184Lys).

Institute of Human Genetics, University of Leipzig Medical Center
Classification: Pathogenic for Focal segmental glomerulosclerosis 5. Last evaluated: 2018-08-29. Review status: criteria provided, single submitter. Criteria: ACMG Guidelines, 2015. Collection method: clinical testing. Allele origin: germline. Affected: yes. Observed: 1 variant allele.

Blueprint Genetics
Classification: Pathogenic for INF2-related disorders. Last evaluated: 2017-11-28. Review status: criteria provided, single submitter. Criteria: ACMG Guidelines, 2015. Collection method: clinical testing. Allele origin: germline. Affected: yes. Observed: 1 variant allele.

Bioscientia Institut fuer Medizinische Diagnostik GmbH, Sonic Healthcare
Classification: Pathogenic for Focal segmental glomerulosclerosis 5. Last evaluated: 2018-05-17. Review status: no assertion criteria provided. Collection method: clinical testing. Allele origin: germline. Affected: yes. Not counted in ClinVar's aggregate classification.

Inherited Neuropathy Consortium
Classification: Uncertain significance for Charcot-Marie-Tooth disease. Review status: no assertion criteria provided. Collection method: literature only. Allele origin: germline. Affected: yes. Not counted in ClinVar's aggregate classification.

Literature cited by the submitters: PubMed 20023659 (cited by 3billion and Labcorp Genetics (formerly Invitae), Labcorp); PubMed 21866090 (cited by 3billion); PubMed 26086034 (cited by Labcorp Genetics (formerly Invitae), Labcorp); PubMed 26764407 (cited by Labcorp Genetics (formerly Invitae), Labcorp); PubMed 25165188 (cited by Labcorp Genetics (formerly Invitae), Labcorp and Inherited Neuropathy Consortium); PubMed 25676889 (cited by Labcorp Genetics (formerly Invitae), Labcorp); PubMed 26467726 (cited by Labcorp Genetics (formerly Invitae), Labcorp).